The following is an entry in ClinVar:

NM_003470.3(USP7):c.1942-5A>C

Gene: USP7 (ubiquitin specific peptidase 7; minus strand). Cytogenetic location: 16p13.2.
Variant type: single nucleotide variant.
Coding change: c.1942-5A>C on transcript NM_003470.3 (MANE Select); 5 bases into the intron before coding-DNA position 1942, A replaced by C.
Molecular consequence: intron variant.
Genome position (GRCh38, 1-based): chr16:8,902,192, T>G on the plus strand (A>C on the coding strand, the complement: USP7 is on the minus strand). VCF-style: chr16-8902192-T-G. GRCh37 (hg19) VCF-style: chr16-8996049-T-G.
Other names: c.1768-5A>C (NM_001321858.2); c.1894-5A>C (NM_001286457.2); c.1645-5A>C (NM_001286458.2).
Identifiers: ClinVar variation 3031180 (VCV003031180.2), dbSNP rs1272388232, ClinGen allele CA2516133306.

ClinVar aggregate classification (germline): Likely benign (0 of 4 stars; one submission).

Conditions:
USP7-related disorder. Also called: USP7-related condition.

gnomAD v4.1: 3 of 1,613,722 alleles (0.00019%); highest among the groups gnomAD compares: Non-Finnish European, 0.00025%; no homozygotes.

Submission:

PreventionGenetics, part of Exact Sciences
Classification: Likely benign for USP7-related condition. Last evaluated: 2021-03-03. Review status: no assertion criteria provided. Collection method: clinical testing. Allele origin: germline.
Comment: This variant is classified as likely benign based on ACMG/AMP sequence variant interpretation guidelines (Richards et al. 2015 PMID: 25741868, with internal and published modifications).